The following is an entry in ClinVar:

NM_014314.4(RIGI):c.1973C>T (p.Pro658Leu)

Gene: RIGI (RNA sensor RIG-I; minus strand). Cytogenetic location: 9p21.1.
Variant type: single nucleotide variant.
Coding change: c.1973C>T on transcript NM_014314.4 (MANE Select); coding-DNA position 1973, C replaced by T.
Protein change: p.Pro658Leu; replaces proline 658 with leucine.
Molecular consequence: missense variant.
Genome position (GRCh38, 1-based): chr9:32,473,016, G>A on the plus strand (C>T on the coding strand, the complement: RIGI is on the minus strand). VCF-style: chr9-32473016-G-A. GRCh37 (hg19) VCF-style: chr9-32473014-G-A.
Other names: c.1967C>T, p.Pro656Leu (NM_001385907.1); c.1973C>T, p.Pro658Leu (NM_001385909.1); c.1532C>T, p.Pro511Leu (NM_001385910.1); c.1364C>T, p.Pro455Leu (NM_001385912.1); c.1958C>T, p.Pro653Leu (NM_001385913.1); c.1529C>T, p.Pro510Leu (NM_001385914.1); short protein forms P455L, P510L, P511L, P653L, P656L, P658L.
Identifiers: ClinVar variation 1062255 (VCV001062255.9), dbSNP rs2118720750, ClinGen allele CA373147700.

ClinVar aggregate classification (germline): Uncertain significance (1 of 4 stars; one submission).

Allele frequency attached by ClinVar (database versions not stated): gnomAD exomes below 0.00001.
gnomAD v4.1: 1 of 1,610,368 alleles (0.000062%); highest among the groups gnomAD compares: Non-Finnish European, 0.000085%; no homozygotes.

Submission:

Labcorp Genetics (formerly Invitae), Labcorp
Classification: Uncertain significance. Last evaluated: 2020-10-26. Review status: criteria provided, single submitter. Criteria: Invitae Variant Classification Sherloc (09022015). Collection method: clinical testing. Allele origin: germline.
Comment: In summary, the available evidence is currently insufficient to determine the role of this variant in disease. Therefore, it has been classified as a Variant of Uncertain Significance. Algorithms developed to predict the effect of missense changes on protein structure and function are either unavailable or do not agree on the potential impact of this missense change (SIFT: "Deleterious"; PolyPhen-2: "Probably Damaging"; Align-GVGD: "Class C15"). This variant has not been reported in the literature in individuals with DDX58-related conditions. This variant is not present in population databases (ExAC no frequency). This sequence change replaces proline with leucine at codon 658 of the DDX58 protein (p.Pro658Leu). The proline residue is moderately conserved and there is a moderate physicochemical difference between proline and leucine.